The following is an entry in ClinVar:

NM_001005242.3(PKP2):c.1326G>A (p.Leu442=)

Gene: PKP2 (plakophilin 2; minus strand). Cytogenetic location: 12p11.21.
Variant type: single nucleotide variant.
Coding change: c.1326G>A on transcript NM_001005242.3 (MANE Select); coding-DNA position 1326, G replaced by A.
Protein change: p.Leu442=; no amino-acid change (leucine 442 retained).
Molecular consequence: synonymous variant.
Genome position (GRCh38, 1-based): chr12:32,850,818, C>T on the plus strand (G>A on the coding strand, the complement: PKP2 is on the minus strand). VCF-style: chr12-32850818-C-T. GRCh37 (hg19) VCF-style: chr12-33003752-C-T.
Other names: c.1326G>A, p.Leu442= (NM_004572.4).
Identifiers: ClinVar variation 533052 (VCV000533052.15), dbSNP rs377076035, ClinGen allele CA235255281.

ClinVar aggregate classification (germline): Likely benign. Review status: criteria provided, multiple submitters, no conflicts (2 of 4 stars). 5 submissions from 5 submitters: Likely benign (5). Last evaluated 2025-04-13.

Conditions:
Arrhythmogenic right ventricular cardiomyopathy (ARVD). Also called: Arrhythmogenic cardiomyopathy; Arrhythmogenic Right Ventricular Cardiomyopathy (ARVC); Cardiomyopathy, ARVC; Arrhythmogenic right ventricular dysplasia. Identifiers: Orphanet 247, MedGen C0349788, MeSH D019571, MONDO:0016587. Disease mechanism: loss of function. Inheritance: Various modes of inheritance.
Cardiovascular phenotype. Identifiers: MedGen CN230736.
Cardiomyopathy (CMYO). Also called: Cardiomyopathies. Identifiers: Orphanet 167848, MedGen C0878544, MONDO:0004994, HP:0001638. Inheritance: Various modes of inheritance.
Arrhythmogenic right ventricular dysplasia 9 (ARVD9). Also called: Arrhythmogenic Right Ventricular Dysplasia/Cardiomyopathy 9; ARRHYTHMOGENIC RIGHT VENTRICULAR DYSPLASIA, FAMILIAL, 9. Identifiers: MedGen C1836906, MONDO:0012180, OMIM 609040.

Allele frequency attached by ClinVar (database versions not stated): gnomAD 0.00001; gnomAD exomes 0.00001; TOPMed 0.00001; ESP Exome Variant Server 0.00008.
gnomAD v4.1: 21 of 1,613,472 alleles (0.0013%); highest among the groups gnomAD compares: Non-Finnish European, 0.0017%; no homozygotes.

Submissions (5):

Labcorp Genetics (formerly Invitae), Labcorp
Classification: Likely benign for Arrhythmogenic right ventricular dysplasia 9. Last evaluated: 2025-04-13. Review status: criteria provided, single submitter. Criteria: Invitae Variant Classification Sherloc (09022015). Collection method: clinical testing. Allele origin: germline.

All of Us Research Program, National Institutes of Health
Classification: Likely benign for Arrhythmogenic right ventricular cardiomyopathy. Last evaluated: 2024-05-30. Review status: criteria provided, single submitter. Criteria: ACMG Guidelines, 2015. Collection method: clinical testing. Allele origin: germline. Inheritance: Autosomal dominant inheritance. Observed: 6 variant alleles, 6 heterozygotes.
Comment: This study involves interpretation of variants in research participants for the purpose of population health screening. Participant phenotype was not available at the time of variant classification. Additional details can be found in publication PMID: 35346344, PMCID: PMC8962531

Blueprint Genetics
Classification: Likely benign. Last evaluated: 2023-08-22. Review status: criteria provided, single submitter. Criteria: ACMG Guidelines, 2015. Collection method: clinical testing. Allele origin: germline.

Ambry Genetics
Classification: Likely benign for Cardiovascular phenotype. Last evaluated: 2019-05-31. Review status: criteria provided, single submitter. Criteria: Ambry Variant Classification Scheme 2023. Collection method: clinical testing. Allele origin: germline.

Color Diagnostics, LLC DBA Color Health
Classification: Likely benign for Cardiomyopathy. Last evaluated: 2018-09-28. Review status: criteria provided, single submitter. Criteria: ACMG Guidelines, 2015. Collection method: clinical testing. Allele origin: germline.